The following is an entry in ClinVar:

ClinVar aggregate classification (germline): Uncertain significance (1 of 4 stars; one submission).

Allele frequency attached by ClinVar (database versions not stated): gnomAD 0.00001; TOPMed 0.00001; gnomAD exomes 0.00002; ExAC 0.00003.

Submissions (3):

Labcorp Genetics (formerly Invitae), Labcorp
Classification: Uncertain significance. Last evaluated: 2023-11-28. Review status: criteria provided, single submitter. Criteria: Invitae Variant Classification Sherloc (09022015). Collection method: clinical testing. Allele origin: germline.
Comment: This sequence change affects codon 293 of the PLD3 mRNA. It is a 'silent' change, meaning that it does not change the encoded amino acid sequence of the PLD3 protein. This variant also falls at the last nucleotide of exon 9, which is part of the consensus splice site for this exon. This variant is present in population databases (rs747934600, gnomAD 0.009%). This variant has not been reported in the literature in individuals affected with PLD3-related conditions. ClinVar contains an entry for this variant (Variation ID: 1908297). Variants that disrupt the consensus splice site are a relatively common cause of aberrant splicing (PMID: 17576681, 9536098). Algorithms developed to predict the effect of sequence changes on RNA splicing suggest that this variant is not likely to affect RNA splicing. In summary, the available evidence is currently insufficient to determine the role of this variant in disease. Therefore, it has been classified as a Variant of Uncertain Significance.

Dr. Peter K. Rogan Lab, Western University
No classification provided (evidence only). Condition: Lung cancer. Review status: no classification provided. Collection method: in vitro. Allele origin: not applicable. Functional consequence: skipped exon. Not counted in ClinVar's aggregate classification.

Dr. Peter K. Rogan Lab, Western University
No classification provided (evidence only). Condition: Thyroid cancer, nonmedullary, 1. Review status: no classification provided. Collection method: in vitro. Allele origin: not applicable. Functional consequence: skipped exon, retained intron. Not counted in ClinVar's aggregate classification.

Literature cited by the submitters: PubMed 17576681 (cited by Labcorp Genetics (formerly Invitae), Labcorp); PubMed 9536098 (cited by Labcorp Genetics (formerly Invitae), Labcorp).

NM_012268.4(PLD3):c.879G>A (p.Ala293=)

Genes: PLD3 (phospholipase D family member 3; plus strand), LOC121852988 (Sharpr-MPRA regulatory region 12346; plus strand). Cytogenetic location: 19q13.2.
Variant type: single nucleotide variant.
Coding change: c.879G>A on transcript NM_012268.4 (MANE Select); coding-DNA position 879, G replaced by A.
Protein change: p.Ala293=; no amino-acid change (alanine 293 retained).
Molecular consequence: synonymous variant.
Genome position (GRCh38, 1-based): chr19:40,371,873, G>A. VCF-style: chr19-40371873-G-A. GRCh37 (hg19) VCF-style: chr19-40877780-G-A.
Other names: c.879G>A, p.Ala293= (NM_001031696.4, NM_001291311.2).
Identifiers: ClinVar variation 1908297 (VCV001908297.6), dbSNP rs747934600, ClinGen allele CA9442838.